The following is an entry in ClinVar:

NM_022124.6(CDH23):c.268C>T (p.Arg90Trp)

Genes: CDH23 (cadherin related 23; plus strand), CDH23-AS1 (CDH23 antisense RNA 1; minus strand). Cytogenetic location: 10q22.1.
Variant type: single nucleotide variant.
Coding change: c.268C>T on transcript NM_022124.6 (MANE Select); coding-DNA position 268, C replaced by T.
Protein change: p.Arg90Trp; replaces arginine 90 with tryptophan.
Molecular consequence: missense variant.
Genome position (GRCh38, 1-based): chr10:71,510,204, C>T. VCF-style: chr10-71510204-C-T. GRCh37 (hg19) VCF-style: chr10-73269961-C-T.
Other names: c.268C>T, p.Arg90Trp (NM_001171930.2, NM_001171931.2, NM_001171932.2 and 1 more transcripts); short protein forms R90W.
Identifiers: ClinVar variation 421224 (VCV000421224.7), dbSNP rs1064794990, ClinGen allele CA16618977.

ClinVar aggregate classification (germline): Uncertain significance. Review status: criteria provided, multiple submitters, no conflicts (2 of 4 stars). 4 submissions from 4 submitters: Uncertain significance (3). 1 of the submissions does not count toward it. Last evaluated 2022-08-22.

Conditions:
Usher syndrome type 1 (USH1). Also called: RETINITIS PIGMENTOSA AND CONGENITAL DEAFNESS. Identifiers: Orphanet 231169, Orphanet 886, MedGen C1568247, MONDO:0010168, OMIM 276900.

Allele frequency attached by ClinVar (database versions not stated): gnomAD exomes 0.00001; TOPMed 0.00003.
gnomAD v4.1: 28 of 1,613,642 alleles (0.0017%); highest among the groups gnomAD compares: Middle Eastern, 0.016%; no homozygotes.

Submissions (4):

Blueprint Genetics
Classification: Uncertain significance. Last evaluated: 2022-08-22. Review status: criteria provided, single submitter. Criteria: ACMG Guidelines, 2015. Collection method: clinical testing. Allele origin: germline.

Labcorp Genetics (formerly Invitae), Labcorp
Classification: Uncertain significance. Last evaluated: 2022-06-20. Review status: criteria provided, single submitter. Criteria: Invitae Variant Classification Sherloc (09022015). Collection method: clinical testing. Allele origin: germline.
Comment: This sequence change replaces arginine, which is basic and polar, with tryptophan, which is neutral and slightly polar, at codon 90 of the CDH23 protein (p.Arg90Trp). This variant is present in population databases (no rsID available, gnomAD 0.006%). This variant has not been reported in the literature in individuals affected with CDH23-related conditions. ClinVar contains an entry for this variant (Variation ID: 421224). Algorithms developed to predict the effect of missense changes on protein structure and function are either unavailable or do not agree on the potential impact of this missense change (SIFT: "Deleterious"; PolyPhen-2: "Not Available"; Align-GVGD: "Class C0"). In summary, the available evidence is currently insufficient to determine the role of this variant in disease. Therefore, it has been classified as a Variant of Uncertain Significance.

GeneDx
Classification: Uncertain significance. Last evaluated: 2016-05-13. Review status: criteria provided, single submitter. Criteria: GeneDx Variant Classification (06012015). Collection method: clinical testing. Allele origin: germline. Affected: yes.
Comment: The R90W variant in the CDH23 gene has not been reported previously as a pathogenic variant, nor as a benign variant, to our knowledge. The R90W variant was not observed in approximately 6,100 individuals of European and African American ancestry in the NHLBI Exome Sequencing Project, indicating it is not a common benign variant in these populations. The R90W variant is a non-conservative amino acid substitution, which is likely to impact secondary protein structure as these residues differ in polarity, charge, size and/or other properties. This substitution occurs at a position that is conserved across species. In silico analysis predicts this variant is probably damaging to the protein structure/function. We interpret R90W as a variant of uncertain significance.

Natera, Inc.
Classification: Uncertain significance for Usher syndrome type 1. Last evaluated: 2019-10-28. Review status: no assertion criteria provided. Collection method: clinical testing. Allele origin: germline. Not counted in ClinVar's aggregate classification.